The following is an entry in ClinVar:

ClinVar aggregate classification (germline): Uncertain significance (1 of 4 stars; one submission).

Conditions:
Anauxetic dysplasia. Identifiers: Orphanet 93347, MedGen C1846796, MONDO:0011773.

Allele frequency attached by ClinVar (database versions not stated): gnomAD exomes 0.00001; TOPMed 0.00003; gnomAD 0.00006; 1000 Genomes Project 0.00020; 1000 Genomes Project 30x 0.00031.

Submission:

Labcorp Genetics (formerly Invitae), Labcorp
Classification: Uncertain significance for Anauxetic dysplasia. Last evaluated: 2021-12-03. Review status: criteria provided, single submitter. Criteria: Invitae Variant Classification Sherloc (09022015). Collection method: clinical testing. Allele origin: germline.
Comment: This variant occurs in the RMRP gene, which encodes an RNA molecule that does not result in a protein product. This variant is present in population databases (rs569993924, gnomAD 0.03%). This variant has not been reported in the literature in individuals affected with RMRP-related conditions. Experimental studies and prediction algorithms are not available or were not evaluated, and the functional significance of this variant is currently unknown. In summary, the available evidence is currently insufficient to determine the role of this variant in disease. Therefore, it has been classified as a Variant of Uncertain Significance.

NC_000009.12:g.35657704C>G

Gene: RMRP (RNA component of mitochondrial RNA processing endoribonuclease; minus strand). Cytogenetic location: 9p13.3.
Variant type: single nucleotide variant.
Genome position: GRCh38 VCF-style: chr9-35657704-C-G. GRCh37 (hg19) VCF-style: chr9-35657701-C-G.
Identifiers: ClinVar variation 1394664 (VCV001394664.3), dbSNP rs569993924, ClinGen allele CA192745507.